The following is an entry in ClinVar:

NM_012470.4(TNPO3):c.189T>C (p.Ala63=)

Gene: TNPO3 (transportin 3; minus strand). Cytogenetic location: 7q32.1.
Variant type: single nucleotide variant.
Coding change: c.189T>C on transcript NM_012470.4 (MANE Select); coding-DNA position 189, T replaced by C.
Protein change: p.Ala63=; no amino-acid change (alanine 63 retained).
Molecular consequence: synonymous variant. On other transcripts: non-coding transcript variant (18).
Genome position (GRCh38, 1-based): chr7:129,018,089, A>G on the plus strand (T>C on the coding strand, the complement: TNPO3 is on the minus strand). VCF-style: chr7-129018089-A-G. GRCh37 (hg19) VCF-style: chr7-128658143-A-G.
Other names: c.189T>C, p.Ala63= (NM_001191028.3, NM_001382216.1, NM_001382217.1 and 6 more transcripts); c.189T>C (NM_012470.3).
Identifiers: ClinVar variation 497071 (VCV000497071.11), dbSNP rs755216120, ClinGen allele CA166224421.
Genomic context (GRCh38, chr7:129,018,089, plus strand): 5'-ATGAGAGTCTGTGGGGAGCTCATAAAATGAGGTCTGAATCTTCATTTTCATGGTCTGTGC[A>G]GCAAAATAGCATGACTCCACATCCTGCCGGATCTGTAACAACTGGTCTGAGATCTCCCAT-3'
Protein context (NP_036602.1, residues 53-73): IRQDVESCYF[Ala63=]AQTMKMKIQT

ClinVar aggregate classification (germline): Conflicting classifications of pathogenicity. Review status: criteria provided, conflicting classifications (1 of 4 stars). 3 submissions from 3 submitters: Uncertain significance (1); Likely benign (1). 1 of the submissions does not count toward it. Last evaluated 2022-10-17.

Conditions:
TNPO3-related disorder. Also called: TNPO3-related condition.
Autosomal dominant limb-girdle muscular dystrophy type 1F (LGMDD2). Also called: MUSCULAR DYSTROPHY, LIMB-GIRDLE, AUTOSOMAL DOMINANT 2; Limb-girdle muscular dystrophy, type 1F. Identifiers: Orphanet 55595, MedGen C1842062, MONDO:0012034, OMIM 608423.

Allele frequency attached by ClinVar (database versions not stated): gnomAD 0.00001; TOPMed 0.00002; gnomAD exomes 0.00003.
gnomAD v4.1: 49 of 1,614,084 alleles (0.003%); highest among the groups gnomAD compares: Non-Finnish European, 0.0038%; no homozygotes.

Submissions (3):

Labcorp Genetics (formerly Invitae), Labcorp
Classification: Likely benign for Autosomal dominant limb-girdle muscular dystrophy type 1F. Last evaluated: 2022-10-17. Review status: criteria provided, single submitter. Criteria: Invitae Variant Classification Sherloc (09022015). Collection method: clinical testing. Allele origin: germline.

Eurofins Ntd Llc (ga)
Classification: Uncertain significance. Last evaluated: 2016-10-06. Review status: criteria provided, single submitter. Criteria: EGL Classification Definitions 2015. Collection method: clinical testing. Allele origin: germline. Observed: 1 variant allele, 1 heterozygote.

PreventionGenetics, part of Exact Sciences
Classification: Likely benign for TNPO3-related condition. Last evaluated: 2019-08-20. Review status: no assertion criteria provided. Collection method: clinical testing. Allele origin: germline. Not counted in ClinVar's aggregate classification.
Comment: This variant is classified as likely benign based on ACMG/AMP sequence variant interpretation guidelines (Richards et al. 2015 PMID: 25741868, with internal and published modifications).